The following is an entry in ClinVar:

NM_032242.4(PLXNA1):c.2926G>A (p.Gly976Ser)

Genes: PLXNA1 (plexin A1; plus strand), LOC129937476 (ATAC-STARR-seq lymphoblastoid active region 20450; plus strand). Cytogenetic location: 3q21.3.
Variant type: single nucleotide variant.
Coding change: c.2926G>A on transcript NM_032242.4 (MANE Select); coding-DNA position 2926, G replaced by A.
Protein change: p.Gly976Ser; replaces glycine 976 with serine.
Molecular consequence: missense variant.
Genome position (GRCh38, 1-based): chr3:127,015,232, G>A. VCF-style: chr3-127015232-G-A. GRCh37 (hg19) VCF-style: chr3-126734075-G-A.
Other names: short protein forms G976S.
Identifiers: ClinVar variation 4991627 (VCV004991627.1).

ClinVar aggregate classification (germline): Uncertain significance (1 of 4 stars; one submission).

Conditions:
PLXNA1-related disorder. Also called: PLXNA1-related condition.

Submission:

PreventionGenetics, part of Exact Sciences
Classification: Uncertain significance for PLXNA1-related condition. Last evaluated: 2025-12-05. Review status: criteria provided, single submitter. Criteria: ACMG Guidelines, 2015. Collection method: clinical testing. Allele origin: germline.
Comment: The PLXNA1 c.2926G>A variant is predicted to result in the amino acid substitution p.Gly976Ser. To our knowledge, this variant has not been reported in the literature or in a large population database (gnomAD), indicating this variant is rare. At this time, the clinical significance of this variant is uncertain due to the absence of conclusive functional and genetic evidence.